The following is an entry in ClinVar:

ClinVar aggregate classification (germline): Uncertain significance. Review status: criteria provided, multiple submitters, no conflicts (2 of 4 stars). 2 submissions from 2 submitters: Uncertain significance (2). Last evaluated 2024-07-16.

Allele frequency attached by ClinVar (database versions not stated): gnomAD 0.00001; gnomAD exomes 0.00001; TOPMed 0.00001; ExAC 0.00004.
gnomAD v4.1: 17 of 1,610,896 alleles (0.0011%); highest among the groups gnomAD compares: Admixed American, 0.0051%; no homozygotes.

Submissions (3):

Ambry Genetics
Classification: Uncertain significance. Last evaluated: 2024-07-16. Review status: criteria provided, single submitter. Criteria: Ambry Variant Classification Scheme 2023. Collection method: clinical testing. Allele origin: germline.

Labcorp Genetics (formerly Invitae), Labcorp
Classification: Uncertain significance. Last evaluated: 2022-09-01. Review status: criteria provided, single submitter. Criteria: Invitae Variant Classification Sherloc (09022015). Collection method: clinical testing. Allele origin: germline.
Comment: In summary, the available evidence is currently insufficient to determine the role of this variant in disease. Therefore, it has been classified as a Variant of Uncertain Significance. Algorithms developed to predict the effect of missense changes on protein structure and function are either unavailable or do not agree on the potential impact of this missense change (SIFT: "Tolerated"; PolyPhen-2: "Possibly Damaging"; Align-GVGD: "Class C0"). This variant has not been reported in the literature in individuals affected with YME1L1-related conditions. This variant is present in population databases (rs749405954, gnomAD 0.005%). This sequence change replaces arginine, which is basic and polar, with glutamine, which is neutral and polar, at codon 319 of the YME1L1 protein (p.Arg319Gln).

Dr. Peter K. Rogan Lab, Western University
No classification provided (evidence only). Condition: Glioma susceptibility 1. Review status: no classification provided. Collection method: in vitro. Allele origin: not applicable. Functional consequence: retained intron. Not counted in ClinVar's aggregate classification.

NM_014263.4(YME1L1):c.785G>A (p.Arg262Gln)

Gene: YME1L1 (YME1 like 1 ATPase; minus strand). Cytogenetic location: 10p12.1.
Variant type: single nucleotide variant.
Coding change: c.785G>A on transcript NM_014263.4 (MANE Select); coding-DNA position 785, G replaced by A.
Protein change: p.Arg262Gln; replaces arginine 262 with glutamine.
Molecular consequence: missense variant.
Genome position (GRCh38, 1-based): chr10:27,131,932, C>T on the plus strand (G>A on the coding strand, the complement: YME1L1 is on the minus strand). VCF-style: chr10-27131932-C-T. GRCh37 (hg19) VCF-style: chr10-27420861-C-T.
Other names: c.956G>A (NM_139312.1); c.686G>A, p.Arg229Gln (NM_001253866.2); c.956G>A, p.Arg319Gln (NM_139312.3); short protein forms R319Q, R262Q, R229Q.
Identifiers: ClinVar variation 1983039 (VCV001983039.6), dbSNP rs749405954, ClinGen allele CA5449484.